The following is an entry in ClinVar:

ClinVar aggregate classification (germline): Uncertain significance (1 of 4 stars; one submission).

Conditions:
Cardiovascular phenotype. Identifiers: MedGen CN230736.
Hereditary cancer-predisposing syndrome. Also called: Tumor predisposition; Hereditary neoplastic syndrome; Neoplastic Syndromes, Hereditary; Hereditary Cancer Syndrome. Identifiers: Orphanet 140162, MedGen C0027672, MeSH D009386, MONDO:0015356.

Submission:

Ambry Genetics
Classification: Uncertain significance for Cardiovascular phenotype; Hereditary cancer-predisposing syndrome. Last evaluated: 2025-04-14. Review status: criteria provided, single submitter. Criteria: Ambry Variant Classification Scheme 2023. Collection method: clinical testing. Allele origin: germline.
Comment: The p.D329V variant (also known as c.986A>T), located in coding exon 9 of the LZTR1 gene, results from an A to T substitution at nucleotide position 986. The aspartic acid at codon 329 is replaced by valine, an amino acid with highly dissimilar properties. This amino acid position is conserved. In addition, the in silico prediction for this alteration is inconclusive. Based on the available evidence, the clinical significance of this variant remains unclear.

NM_006767.4(LZTR1):c.986A>T (p.Asp329Val)

Gene: LZTR1 (leucine zipper like post translational regulator 1; plus strand). Cytogenetic location: 22q11.21.
Variant type: single nucleotide variant.
Coding change: c.986A>T on transcript NM_006767.4 (MANE Select); coding-DNA position 986, A replaced by T.
Protein change: p.Asp329Val; replaces aspartic acid 329 with valine.
Molecular consequence: missense variant.
Genome position (GRCh38, 1-based): chr22:20,991,822, A>T. VCF-style: chr22-20991822-A-T. GRCh37 (hg19) VCF-style: chr22-21346111-A-T.
Other names: short protein forms D329V.
Identifiers: ClinVar variation 3991735 (VCV003991735.1).
Genomic context (GRCh38, chr22:20,991,822, plus strand): 5'-ACGAGCTGCACTGCTATGACGTGGACTTCCAGACCTGGGAGGTCGTCCAGCCCAGCTCCG[A>T]CAGCGAGGTGAGGGTGCCCAGGGGTGTCCTGACCTGCCAGCTGGACACCAGTAGCTCCTA-3'
Protein context (NP_006758.2, residues 319-339): QTWEVVQPSS[Asp329Val]SEVGGAEVPE